The following is an entry in ClinVar:

NM_001371395.1(USP53):c.153G>A (p.Trp51Ter)

Gene: USP53 (ubiquitin specific peptidase 53; plus strand). Cytogenetic location: 4q26.
Variant type: single nucleotide variant.
Coding change: c.153G>A on transcript NM_001371395.1 (MANE Select); coding-DNA position 153, G replaced by A.
Protein change: p.Trp51Ter; replaces tryptophan 51 with a stop codon.
Molecular consequence: nonsense. On other transcripts: 5 prime UTR variant (6).
Genome position (GRCh38, 1-based): chr4:119,245,345, G>A. VCF-style: chr4-119245345-G-A. GRCh37 (hg19) VCF-style: chr4-120166500-G-A.
Other names: p.Trp51Ter; c.153G>A, p.Trp51Ter (NM_001371396.1, NM_001371397.1, NM_001371398.1 and 6 more transcripts); c.-196G>A (NM_001389662.1, NM_001389663.1, NM_001389664.1 and 3 more transcripts); short protein forms W51*.
Identifiers: ClinVar variation 2692225 (VCV002692225.3), dbSNP rs1748093286, ClinGen allele CA358022228.

ClinVar aggregate classification (germline): Pathogenic. Review status: criteria provided, single submitter (1 of 4 stars). 2 submissions from 2 submitters: Pathogenic (1). 1 of the submissions does not count toward it. Last evaluated 2026-01-14.

Conditions:
Cholestasis, progressive familial intrahepatic, 7, with or without hearing loss. Identifiers: MedGen C5562043, MONDO:0030503, OMIM 619658.

Allele frequency attached by ClinVar (database versions not stated): TOPMed below 0.00001; gnomAD exomes 0.00001.
gnomAD v4.1: 3 of 1,612,860 alleles (0.00019%); highest among the groups gnomAD compares: Middle Eastern, 0.017%; no homozygotes.

Submissions (2):

Labcorp Genetics (formerly Invitae), Labcorp
Classification: Pathogenic. Last evaluated: 2026-01-14. Review status: criteria provided, single submitter. Criteria: Invitae Variant Classification Sherloc (09022015). Collection method: clinical testing. Allele origin: germline.
Comment: This sequence change creates a premature translational stop signal (p.Trp51*) in the USP53 gene. It is expected to result in an absent or disrupted protein product. Loss-of-function variants in USP53 are known to be pathogenic (PMID: 32124521, 32759993). This variant is not present in population databases (gnomAD no frequency). This variant has not been reported in the literature in individuals affected with USP53-related conditions. ClinVar contains an entry for this variant (Variation ID: 2692225). For these reasons, this variant has been classified as Pathogenic.

Breakthrough Genomics
Classification: Likely pathogenic for Cholestasis, progressive familial intrahepatic, 7, with or without hearing loss. Last evaluated: 2022-10-10. Review status: no assertion criteria provided. Collection method: clinical testing. Allele origin: germline. Affected: yes. Observed: 1 variant allele. Not counted in ClinVar's aggregate classification.

Literature cited by the submitters: PubMed 32124521 (cited by Labcorp Genetics (formerly Invitae), Labcorp); PubMed 32759993 (cited by Labcorp Genetics (formerly Invitae), Labcorp).